The following is an entry in ClinVar:

ClinVar aggregate classification (germline): Uncertain significance. Review status: criteria provided, multiple submitters, no conflicts (2 of 4 stars). 2 submissions from 2 submitters: Uncertain significance (2). Last evaluated 2025-12-31.

Conditions:
Hereditary cancer-predisposing syndrome. Also called: Neoplastic Syndromes, Hereditary; Tumor predisposition; Hereditary Cancer Syndrome; Hereditary neoplastic syndrome. Identifiers: Orphanet 140162, MedGen C0027672, MeSH D009386, MONDO:0015356.
Hereditary pheochromocytoma and paraganglioma. Also called: Hereditary Paraganglioma-Pheochromocytoma Syndromes; Hereditary pheochromocytoma-paraganglioma; Hereditary paragangliomas and pheochromocytomas. Identifiers: Orphanet 29072, MedGen C4274332, MONDO:0017366.

Submissions (2):

Labcorp Genetics (formerly Invitae), Labcorp
Classification: Uncertain significance for Hereditary pheochromocytoma and paraganglioma. Last evaluated: 2025-12-31. Review status: criteria provided, single submitter. Criteria: Invitae Variant Classification Sherloc (09022015). Collection method: clinical testing. Allele origin: germline.
Comment: This sequence change replaces proline, which is neutral and non-polar, with serine, which is neutral and polar, at codon 127 of the SDHAF2 protein (p.Pro127Ser). This variant is not present in population databases (gnomAD no frequency). This variant has not been reported in the literature in individuals affected with SDHAF2-related conditions. ClinVar contains an entry for this variant (Variation ID: 3438728). An algorithm developed to predict the effect of missense changes on protein structure and function (PolyPhen-2) suggests that this variant is likely to be disruptive. In summary, the available evidence is currently insufficient to determine the role of this variant in disease. Therefore, it has been classified as a Variant of Uncertain Significance.

Ambry Genetics
Classification: Uncertain significance for Hereditary cancer-predisposing syndrome. Last evaluated: 2024-07-26. Review status: criteria provided, single submitter. Criteria: Ambry Variant Classification Scheme 2023. Collection method: clinical testing. Allele origin: germline.
Comment: The p.P127S variant (also known as c.379C>T), located in coding exon 4 of the SDHAF2 gene, results from a C to T substitution at nucleotide position 379. The proline at codon 127 is replaced by serine, an amino acid with similar properties. This amino acid position is conserved. In addition, the in silico prediction for this alteration is inconclusive. Based on the available evidence, the clinical significance of this variant remains unclear.

NM_017841.4(SDHAF2):c.379C>T (p.Pro127Ser)

Gene: SDHAF2 (succinate dehydrogenase complex assembly factor 2; plus strand). Cytogenetic location: 11q12.2.
Variant type: single nucleotide variant.
Coding change: c.379C>T on transcript NM_017841.4 (MANE Select); coding-DNA position 379, C replaced by T.
Protein change: p.Pro127Ser; replaces proline 127 with serine.
Molecular consequence: missense variant.
Genome position (GRCh38, 1-based): chr11:61,445,949, C>T. VCF-style: chr11-61445949-C-T. GRCh37 (hg19) VCF-style: chr11-61213421-C-T.
Other names: short protein forms P127S.
Identifiers: ClinVar variation 3438728 (VCV003438728.2).
Genomic context (GRCh38, chr11:61,445,949, plus strand): 5'-TGAGCATTGACTGACTATGGCATAATTTTTTCTGCCCACTCTTCTCTTGCAGAAGCTAAA[C>T]CAGCCCCAGAAATATTTGAAAATGAAGTCATGGCCCTGCTGAGAGACTTTGCTAAAAACA-3'
Protein context (NP_060311.1, residues 117-137): DIYYWATEAK[Pro127Ser]APEIFENEVM